The following is an entry in ClinVar:

NM_001903.5(CTNNA1):c.981T>G (p.Asp327Glu)

Gene: CTNNA1 (catenin alpha 1; plus strand). Cytogenetic location: 5q31.2.
Variant type: single nucleotide variant.
Coding change: c.981T>G on transcript NM_001903.5 (MANE Select); coding-DNA position 981, T replaced by G.
Protein change: p.Asp327Glu; replaces aspartic acid 327 with glutamic acid.
Molecular consequence: missense variant.
Genome position (GRCh38, 1-based): chr5:138,827,637, T>G. VCF-style: chr5-138827637-T-G. GRCh37 (hg19) VCF-style: chr5-138163326-T-G.
Other names: c.981T>G, p.Asp327Glu (NM_001290307.3, NM_001323982.2, NM_001323983.1 and 3 more transcripts); c.672T>G, p.Asp224Glu (NM_001290309.3); c.612T>G, p.Asp204Glu (NM_001290310.3); short protein forms D204E, D224E, D327E.
Identifiers: ClinVar variation 2064037 (VCV002064037.4), dbSNP rs2532447402, ClinGen allele CA361131059.

ClinVar aggregate classification (germline): Uncertain significance (1 of 4 stars; one submission).

gnomAD v4.1: 1 of 1,614,226 alleles (0.000062%); highest among the groups gnomAD compares: Non-Finnish European, 0.000085%; no homozygotes.

Submission:

Labcorp Genetics (formerly Invitae), Labcorp
Classification: Uncertain significance. Last evaluated: 2024-10-10. Review status: criteria provided, single submitter. Criteria: Invitae Variant Classification Sherloc (09022015). Collection method: clinical testing. Allele origin: germline.
Comment: This sequence change replaces aspartic acid, which is acidic and polar, with glutamic acid, which is acidic and polar, at codon 327 of the CTNNA1 protein (p.Asp327Glu). This variant is not present in population databases (gnomAD no frequency). This variant has not been reported in the literature in individuals affected with CTNNA1-related conditions. ClinVar contains an entry for this variant (Variation ID: 2064037). Invitae Evidence Modeling of protein sequence and biophysical properties (such as structural, functional, and spatial information, amino acid conservation, physicochemical variation, residue mobility, and thermodynamic stability) indicates that this missense variant is not expected to disrupt CTNNA1 protein function with a negative predictive value of 80%. In summary, the available evidence is currently insufficient to determine the role of this variant in disease. Therefore, it has been classified as a Variant of Uncertain Significance.